The following is an entry in ClinVar:

ClinVar aggregate classification (germline): Uncertain significance. Review status: criteria provided, multiple submitters, no conflicts (2 of 4 stars). 2 submissions from 2 submitters: Uncertain significance (2). Last evaluated 2025-02-04.

Conditions:
Inborn genetic diseases. Identifiers: MedGen C0950123, MeSH D030342.

gnomAD v4.1: 17 of 1,613,930 alleles (0.0011%); highest among the groups gnomAD compares: Admixed American, 0.005%; no homozygotes.

Submissions (2):

Labcorp Genetics (formerly Invitae), Labcorp
Classification: Uncertain significance. Last evaluated: 2025-02-04. Review status: criteria provided, single submitter. Criteria: Invitae Variant Classification Sherloc (09022015). Collection method: clinical testing. Allele origin: germline.
Comment: This sequence change replaces valine, which is neutral and non-polar, with isoleucine, which is neutral and non-polar, at codon 3786 of the TRRAP protein (p.Val3786Ile). This variant is present in population databases (rs772022111, gnomAD 0.004%). This variant has not been reported in the literature in individuals affected with TRRAP-related conditions. Invitae Evidence Modeling of protein sequence and biophysical properties (such as structural, functional, and spatial information, amino acid conservation, physicochemical variation, residue mobility, and thermodynamic stability) indicates that this missense variant is not expected to disrupt TRRAP protein function with a negative predictive value of 80%. In summary, the available evidence is currently insufficient to determine the role of this variant in disease. Therefore, it has been classified as a Variant of Uncertain Significance.

Ambry Genetics
Classification: Uncertain significance for Inborn genetic diseases. Last evaluated: 2025-02-01. Review status: criteria provided, single submitter. Criteria: Ambry Variant Classification Scheme 2023. Collection method: clinical testing. Allele origin: germline.

NM_001375524.1(TRRAP):c.11485G>A (p.Val3829Ile)

Gene: TRRAP (transformation/transcription domain associated protein; plus strand). Cytogenetic location: 7q22.1.
Variant type: single nucleotide variant.
Coding change: c.11485G>A on transcript NM_001375524.1 (MANE Select); coding-DNA position 11485, G replaced by A.
Protein change: p.Val3829Ile; replaces valine 3829 with isoleucine.
Molecular consequence: missense variant.
Genome position (GRCh38, 1-based): chr7:99,012,218, G>A. VCF-style: chr7-99012218-G-A. GRCh37 (hg19) VCF-style: chr7-98609841-G-A.
Other names: c.11443G>A (NM_001244580.1); c.11443G>A, p.Val3815Ile (NM_001244580.2); c.11356G>A, p.Val3786Ile (NM_003496.4); short protein forms V3786I, V3815I, V3829I.
Identifiers: ClinVar variation 3700826 (VCV003700826.3).
Genomic context (GRCh38, chr7:99,012,218, plus strand): 5'-GCCGCCGGGCAGCCAGAGAACATGGACAGCCAGCAACTGGTGTCCCTGGTTCAGAAAGCC[G>A]TCACCGCCATCATGACCCGCCTGCACAACCTCGCCCAGTTCGAAGGCGGGGAAAGCAAGG-3'
Protein context (NP_001362453.1, residues 3819-3839): QQLVSLVQKA[Val3829Ile]TAIMTRLHNL